The following is an entry in ClinVar:

NM_021615.5(CHST6):c.485G>A (p.Arg162Gln)

Gene: CHST6 (carbohydrate sulfotransferase 6; minus strand). Cytogenetic location: 16q23.1.
Variant type: single nucleotide variant.
Coding change: c.485G>A on transcript NM_021615.5 (MANE Select); coding-DNA position 485, G replaced by A.
Protein change: p.Arg162Gln; replaces arginine 162 with glutamine.
Molecular consequence: missense variant.
Genome position (GRCh38, 1-based): chr16:75,479,344, C>T on the plus strand (G>A on the coding strand, the complement: CHST6 is on the minus strand). VCF-style: chr16-75479344-C-T. GRCh37 (hg19) VCF-style: chr16-75513242-C-T.
Other names: short protein forms R162Q.
Identifiers: ClinVar variation 2161680 (VCV002161680.4), dbSNP rs747564029, ClinGen allele CA8175486.

ClinVar aggregate classification (germline): Uncertain significance (1 of 4 stars; one submission).

Conditions:
Macular corneal dystrophy (MCD). Also called: Macular corneal dystrophy Type I; GROENOUW TYPE II CORNEAL DYSTROPHY. Identifiers: Orphanet 98969, MedGen C1636149, MONDO:0009020, OMIM 217800.

Allele frequency attached by ClinVar (database versions not stated): TOPMed below 0.00001; ExAC 0.00002.
gnomAD v4.1: 18 of 1,612,752 alleles (0.0011%); highest among the groups gnomAD compares: Non-Finnish European, 0.0014%; no homozygotes.

Submission:

Labcorp Genetics (formerly Invitae), Labcorp
Classification: Uncertain significance for Macular corneal dystrophy. Last evaluated: 2022-03-29. Review status: criteria provided, single submitter. Criteria: Invitae Variant Classification Sherloc (09022015). Collection method: clinical testing. Allele origin: germline.
Comment: This sequence change replaces arginine, which is basic and polar, with glutamine, which is neutral and polar, at codon 162 of the CHST6 protein (p.Arg162Gln). This variant is present in population databases (rs747564029, gnomAD 0.004%). In summary, the available evidence is currently insufficient to determine the role of this variant in disease. Therefore, it has been classified as a Variant of Uncertain Significance. Algorithms developed to predict the effect of missense changes on protein structure and function output the following: SIFT: "Tolerated"; PolyPhen-2: "Benign"; Align-GVGD: "Class C0". The glutamine amino acid residue is found in multiple mammalian species, which suggests that this missense change does not adversely affect protein function. This variant has not been reported in the literature in individuals affected with CHST6-related conditions.